The following is an entry in ClinVar:

NM_001048174.2(MUTYH):c.145T>G (p.Leu49Val)

Gene: MUTYH (mutY DNA glycosylase; minus strand). Cytogenetic location: 1p34.1.
Variant type: single nucleotide variant.
Coding change: c.145T>G on transcript NM_001048174.2 (MANE Select); coding-DNA position 145, T replaced by G.
Protein change: p.Leu49Val; replaces leucine 49 with valine.
Molecular consequence: missense variant. On other transcripts: non-coding transcript variant (5), intron variant (5), 5 prime UTR variant (1).
Genome position (GRCh38, 1-based): chr1:45,333,532, A>C on the plus strand (T>G on the coding strand, the complement: MUTYH is on the minus strand). VCF-style: chr1-45333532-A-C. GRCh37 (hg19) VCF-style: chr1-45799204-A-C.
Other names: c.187T>G, p.Leu63Val (NM_001407073.1, NM_001407083.1, NM_001407085.1); c.61T>G, p.Leu21Val (NM_001407075.1); c.178T>G, p.Leu60Val (NM_001407077.1, NM_001293191.2); c.148T>G, p.Leu50Val (NM_001407078.1, NM_001407079.1, NM_001407086.1 and 2 more transcripts); c.145T>G, p.Leu49Val (NM_001407080.1, NM_001407081.1, NM_001407088.1 and 6 more transcripts); c.166T>G, p.Leu56Val (NM_001407087.1); c.220T>G, p.Leu74Val (NM_012222.3, NM_001407069.1); c.-92-35T>G (NM_001350651.2, NM_001407082.1); and 4 more; short protein forms L49V, L56V, L60V, L63V, L50V, L74V, L21V, L77V.
Identifiers: ClinVar variation 4113530 (VCV004113530.1).
Genomic context (GRCh38, chr1:45,333,532, plus strand): 5'-GGAAGGCTGTGACTTCAGCTACGTCTCTGAATAGATGGTATGAGGAGACAGAGGCCTGCA[A>C]TACCACCTCTTCCGGCTGCCTGGCCAGGCCTGCTGGGGCCCCAGGACACTCAGCAATCAT-3'
Protein context (NP_001041639.1, residues 39-59): GLARQPEEVV[Leu49Val]QASVSSYHLF

ClinVar aggregate classification (germline): Uncertain significance (1 of 4 stars; one submission).

Conditions:
Hereditary cancer-predisposing syndrome. Also called: Hereditary neoplastic syndrome; Neoplastic Syndromes, Hereditary; Tumor predisposition; Hereditary Cancer Syndrome. Identifiers: Orphanet 140162, MedGen C0027672, MeSH D009386, MONDO:0015356.

Submission:

Ambry Genetics
Classification: Uncertain significance for Hereditary cancer-predisposing syndrome. Last evaluated: 2025-08-27. Review status: criteria provided, single submitter. Criteria: Ambry Variant Classification Scheme 2023. Collection method: clinical testing. Allele origin: germline.
Comment: The p.L77V variant (also known as c.229T>G), located in coding exon 3 of the MUTYH gene, results from a T to G substitution at nucleotide position 229. The leucine at codon 77 is replaced by valine, an amino acid with highly similar properties. This amino acid position is conserved. In addition, this alteration is predicted to be tolerated by in silico analysis. Based on the available evidence, the clinical significance of this variant remains unclear.